The following is an entry in ClinVar:

NM_016032.4(ZDHHC9):c.286C>T (p.Arg96Trp)

Gene: ZDHHC9 (zDHHC palmitoyltransferase 9; minus strand). Cytogenetic location: Xq26.1.
Variant type: single nucleotide variant.
Coding change: c.286C>T on transcript NM_016032.4 (MANE Select); coding-DNA position 286, C replaced by T.
Protein change: p.Arg96Trp; replaces arginine 96 with tryptophan.
Genome position (GRCh38, 1-based): chrX:129,829,023, G>A on the plus strand (C>T on the coding strand, the complement: ZDHHC9 is on the minus strand). VCF-style: chrX-129829023-G-A. GRCh37 (hg19) VCF-style: chrX-128962999-G-A.
Other names: c.286C>T (NM_016032.3); c.286C>T, p.Arg96Trp (NM_001008222.3); short protein forms R96W.
Identifiers: ClinVar variation 429192 (VCV000429192.15), dbSNP rs1131690786, ClinGen allele CA414592524.

ClinVar aggregate classification (germline): Pathogenic. Review status: criteria provided, multiple submitters, no conflicts (2 of 4 stars). 5 submissions from 5 submitters: Pathogenic (3). 2 of the submissions do not count toward it. Last evaluated 2026-09-19.

Conditions:
Intellectual developmental disorder, X-linked, syndromic, Raymond type. Also called: Syndromic X-linked intellectual disability Raymond type. Identifiers: MedGen C3275406, MONDO:0010427, OMIM 300799.

Submissions (5):

GeneDx
Classification: Pathogenic. Last evaluated: 2026-09-19. Review status: criteria provided, single submitter. Criteria: GeneDx Variant Classification Process June 2021. Collection method: clinical testing. Allele origin: germline.
Comment: Published functional studies demonstrate a damaging effect through impairment of intracellular localization, palmitoylation of myelin basic protein, and autopalmitoylation (PMID: 41031565); In silico analysis supports that this missense variant has a deleterious effect on protein structure/function; Not observed at significant frequency in large population cohorts (gnomAD); This variant is associated with the following publications: (PMID: 28687527, 30402882, 25649377, 32695065, 37035671, 30631761, 41031565)

Labcorp Genetics (formerly Invitae), Labcorp
Classification: Pathogenic for Intellectual developmental disorder, X-linked, syndromic, Raymond type. Last evaluated: 2021-08-09. Review status: criteria provided, single submitter. Criteria: Invitae Variant Classification Sherloc (09022015). Collection method: clinical testing. Allele origin: germline.
Comment: This sequence change replaces arginine with tryptophan at codon 96 of the ZDHHC9 protein (p.Arg96Trp). The arginine residue is highly conserved and there is a moderate physicochemical difference between arginine and tryptophan. This variant is not present in population databases (ExAC no frequency). This variant has been observed in individual(s) with clinical features of X-linked intellectual disability (XLID) (PMID: 25649377, 28687527; Invitae). In at least one individual the variant was observed to be de novo. It has also been observed to segregate with disease in related individuals. ClinVar contains an entry for this variant (Variation ID: 429192). Algorithms developed to predict the effect of missense changes on protein structure and function (SIFT, PolyPhen-2, Align-GVGD) all suggest that this variant is likely to be disruptive. For these reasons, this variant has been classified as Pathogenic.

CENTOGENE GmbH and LLC - Guiding Precision Medicine
Classification: Pathogenic for Intellectual developmental disorder, X-linked, syndromic, Raymond type. Last evaluated: 2019-12-03. Review status: criteria provided, single submitter. Criteria: ACMG Guidelines, 2015. Collection method: clinical testing. Allele origin: maternal. Affected: yes.

OMIM
Classification: Pathogenic for INTELLECTUAL DEVELOPMENTAL DISORDER, X-LINKED, SYNDROMIC, RAYMOND TYPE. Last evaluated: 2020-05-15. Review status: no assertion criteria provided. Collection method: literature only. Allele origin: germline. Not counted in ClinVar's aggregate classification.

Department of Laboratory Medicine, Daejeon St. Mary’s Hospital
Classification: Pathogenic for Intellectual developmental disorder, X-linked, syndromic, Raymond type. Last evaluated: 2017-04-04. Review status: no assertion criteria provided. Collection method: clinical testing. Allele origin: de novo. Inheritance: X-linked dominant inheritance. Affected: yes. Observed: 1 variant allele, 1 hemizygote. Not counted in ClinVar's aggregate classification.
Comment: The first sporadic X-linked intellectual disability with de novo ZDHHC9 mutation identified by targeted next-generation sequencing.

Literature cited by the submitters: PubMed 25649377 (cited by Labcorp Genetics (formerly Invitae), Labcorp and OMIM); PubMed 28687527 (cited by Labcorp Genetics (formerly Invitae), Labcorp and OMIM).